The following is an entry in ClinVar:

ClinVar aggregate classification (germline): Uncertain significance (1 of 4 stars; one submission).

Submission:

Labcorp Genetics (formerly Invitae), Labcorp
Classification: Uncertain significance. Last evaluated: 2025-10-26. Review status: criteria provided, single submitter. Criteria: Invitae Variant Classification Sherloc (09022015). Collection method: clinical testing. Allele origin: germline.
Comment: This sequence change affects codon 13 of the MC4R mRNA. It is a 'silent' change, meaning that it does not change the encoded amino acid sequence of the MC4R protein. This variant is not present in population databases (gnomAD no frequency). This variant has not been reported in the literature in individuals affected with MC4R-related conditions. In summary, the available evidence is currently insufficient to determine the role of this variant in disease. Therefore, it has been classified as a Variant of Uncertain Significance.

NM_005912.3(MC4R):c.39G>A (p.Leu13=)

Gene: MC4R (melanocortin 4 receptor; minus strand). Cytogenetic location: 18q21.32.
Variant type: single nucleotide variant.
Coding change: c.39G>A on transcript NM_005912.3 (MANE Select); coding-DNA position 39, G replaced by A.
Protein change: p.Leu13=; no amino-acid change (leucine 13 retained).
Molecular consequence: synonymous variant.
Genome position (GRCh38, 1-based): chr18:60,372,311, C>T on the plus strand (G>A on the coding strand, the complement: MC4R is on the minus strand). VCF-style: chr18-60372311-C-T. GRCh37 (hg19) VCF-style: chr18-58039544-C-T.
Identifiers: ClinVar variation 4810386 (VCV004810386.1).